The following is an entry in ClinVar:

NM_033305.3(VPS13A):c.3781A>G (p.Thr1261Ala)

Gene: VPS13A (vacuolar protein sorting 13 homolog A; plus strand). Cytogenetic location: 9q21.2.
Variant type: single nucleotide variant.
Coding change: c.3781A>G on transcript NM_033305.3 (MANE Select); coding-DNA position 3781, A replaced by G.
Protein change: p.Thr1261Ala; replaces threonine 1261 with alanine.
Molecular consequence: missense variant.
Genome position (GRCh38, 1-based): chr9:77,295,815, A>G. VCF-style: chr9-77295815-A-G. GRCh37 (hg19) VCF-style: chr9-79910731-A-G.
Other names: c.3664A>G, p.Thr1222Ala (NM_001018037.2); c.3781A>G, p.Thr1261Ala (NM_001018038.3, NM_015186.4); short protein forms T1222A, T1261A.
Identifiers: ClinVar variation 1980241 (VCV001980241.1), dbSNP rs1827959711, ClinGen allele CA373850948.

ClinVar aggregate classification (germline): Uncertain significance (1 of 4 stars; one submission).

Allele frequency attached by ClinVar (database versions not stated): gnomAD exomes below 0.00001; TOPMed below 0.00001; gnomAD 0.00001.
gnomAD v4.1: 7 of 1,613,884 alleles (0.00043%); highest among the groups gnomAD compares: Non-Finnish European, 0.00059%; no homozygotes.

Submission:

Labcorp Genetics (formerly Invitae), Labcorp
Classification: Uncertain significance. Last evaluated: 2022-09-15. Review status: criteria provided, single submitter. Criteria: Invitae Variant Classification Sherloc (09022015). Collection method: clinical testing. Allele origin: germline.
Comment: This sequence change replaces threonine, which is neutral and polar, with alanine, which is neutral and non-polar, at codon 1261 of the VPS13A protein (p.Thr1261Ala). This variant is not present in population databases (gnomAD no frequency). This variant has not been reported in the literature in individuals affected with VPS13A-related conditions. Algorithms developed to predict the effect of missense changes on protein structure and function (SIFT, PolyPhen-2, Align-GVGD) all suggest that this variant is likely to be tolerated. Algorithms developed to predict the effect of sequence changes on RNA splicing suggest that this variant may create or strengthen a splice site. In summary, the available evidence is currently insufficient to determine the role of this variant in disease. Therefore, it has been classified as a Variant of Uncertain Significance.